The following is an entry in ClinVar:

NM_003865.3(HESX1):c.157+5G>A

Gene: HESX1 (HESX homeobox 1; minus strand). Cytogenetic location: 3p14.3.
Variant type: single nucleotide variant.
Coding change: c.157+5G>A on transcript NM_003865.3 (MANE Select); 5 bases into the intron after coding-DNA position 157, G replaced by A.
Molecular consequence: intron variant.
Genome position (GRCh38, 1-based): chr3:57,199,757, C>T on the plus strand (G>A on the coding strand, the complement: HESX1 is on the minus strand). VCF-style: chr3-57199757-C-T. GRCh37 (hg19) VCF-style: chr3-57233785-C-T.
Other names: c.157+5G>A (NM_001376059.1, NM_001376058.1, NM_001376060.1 and 1 more transcripts).
Identifiers: ClinVar variation 2040518 (VCV002040518.4), dbSNP rs747016694, ClinGen allele CA2463320.

ClinVar aggregate classification (germline): Uncertain significance (1 of 4 stars; one submission).

Conditions:
GROWTH HORMONE DEFICIENCY WITH PITUITARY ANOMALIES. Identifiers: MedGen C2750027, OMIM 182230.
Septo-optic dysplasia sequence (SOD). Also called: DE MORSIER SYNDROME; Septo-optic dysplasia. Identifiers: Orphanet 3157, MedGen C0338503, MONDO:0008428, OMIM 182230, HP:0100842.

Allele frequency attached by ClinVar (database versions not stated): gnomAD exomes below 0.00001; ExAC 0.00002; TOPMed 0.00004; gnomAD 0.00005.
gnomAD v4.1: 14 of 1,613,628 alleles (0.00087%); highest among the groups gnomAD compares: Middle Eastern, 0.016%; no homozygotes.

Submission:

Labcorp Genetics (formerly Invitae), Labcorp
Classification: Uncertain significance for GROWTH HORMONE DEFICIENCY WITH PITUITARY ANOMALIES; Septo-optic dysplasia sequence. Last evaluated: 2022-05-25. Review status: criteria provided, single submitter. Criteria: Invitae Variant Classification Sherloc (09022015). Collection method: clinical testing. Allele origin: germline.
Comment: In summary, the available evidence is currently insufficient to determine the role of this variant in disease. Therefore, it has been classified as a Variant of Uncertain Significance. Variants that disrupt the consensus splice site are a relatively common cause of aberrant splicing (PMID: 17576681, 9536098). Algorithms developed to predict the effect of sequence changes on RNA splicing suggest that this variant is not likely to affect RNA splicing. This variant has not been reported in the literature in individuals affected with HESX1-related conditions. This variant is present in population databases (rs747016694, gnomAD 0.01%). This sequence change falls in intron 1 of the HESX1 gene. It does not directly change the encoded amino acid sequence of the HESX1 protein. It affects a nucleotide within the consensus splice site.

Literature cited by the submitters: PubMed 17576681; PubMed 9536098.